The following is an entry in ClinVar:

ClinVar aggregate classification (germline): Benign/Likely benign. Review status: criteria provided, multiple submitters, no conflicts (2 of 4 stars). 2 submissions from 2 submitters: Benign (1); Likely benign (1). Last evaluated 2025-01-10.

Conditions:
Familial cancer of breast. Also called: BREAST CANCER, FAMILIAL; Hereditary breast cancer; hereditary breast carcinoma. Identifiers: Orphanet 227535, MedGen C0346153, MONDO:0016419, OMIM 114480. Disease mechanism: loss of function.
Hereditary cancer-predisposing syndrome. Also called: Tumor predisposition; Hereditary Cancer Syndrome; Hereditary neoplastic syndrome; Neoplastic Syndromes, Hereditary. Identifiers: Orphanet 140162, MedGen C0027672, MeSH D009386, MONDO:0015356.

Submissions (2):

Myriad Genetics, Inc.
Classification: Benign for Familial cancer of breast. Last evaluated: 2025-01-10. Review status: criteria provided, single submitter. Criteria: Myriad Autosomal Dominant, Autosomal Recessive and X-Linked Classification Criteria (2023). Collection method: clinical testing. Allele origin: unknown.
Comment: This variant is considered benign. This variant is a silent/synonymous amino acid change and it is not expected to impact splicing.

Ambry Genetics
Classification: Likely benign for Hereditary cancer-predisposing syndrome. Last evaluated: 2024-03-27. Review status: criteria provided, single submitter. Criteria: Ambry Variant Classification Scheme 2023. Collection method: clinical testing. Allele origin: germline.

NM_024675.4(PALB2):c.597T>C (p.Leu199=)

Gene: PALB2 (partner and localizer of BRCA2; minus strand). Cytogenetic location: 16p12.2.
Variant type: single nucleotide variant.
Coding change: c.597T>C on transcript NM_024675.4 (MANE Select); coding-DNA position 597, T replaced by C.
Protein change: p.Leu199=; no amino-acid change (leucine 199 retained).
Molecular consequence: synonymous variant. On other transcripts: 5 prime UTR variant (8), intron variant (3).
Genome position (GRCh38, 1-based): chr16:23,635,949, A>G on the plus strand (T>C on the coding strand, the complement: PALB2 is on the minus strand). VCF-style: chr16-23635949-A-G. GRCh37 (hg19) VCF-style: chr16-23647270-A-G.
Other names: c.537T>C, p.Leu179= (NM_001407296.1); c.597T>C, p.Leu199= (NM_001407297.1, NM_001407298.1, NM_001407299.1 and 3 more transcripts); c.-289T>C (NM_001407304.1, NM_001407305.1, NM_001407306.1 and 5 more transcripts); c.48+5161T>C (NM_001407314.1); c.-105+5161T>C (NM_001407313.1, NM_001407312.1).
Identifiers: ClinVar variation 3303989 (VCV003303989.2).